The following is an entry in ClinVar:

NM_001605.3(AARS1):c.2607+44C>T

Gene: AARS1 (alanyl-tRNA synthetase 1; minus strand). Cytogenetic location: 16q22.1.
Variant type: single nucleotide variant.
Coding change: c.2607+44C>T on transcript NM_001605.3 (MANE Select); 44 bases into the intron after coding-DNA position 2607, C replaced by T.
Molecular consequence: intron variant.
Genome position (GRCh38, 1-based): chr16:70,253,670, G>A on the plus strand (C>T on the coding strand, the complement: AARS1 is on the minus strand). VCF-style: chr16-70253670-G-A. GRCh37 (hg19) VCF-style: chr16-70287573-G-A.
Identifiers: ClinVar variation 2646678 (VCV002646678.24), dbSNP rs955678548, ClinGen allele CA283424058.

ClinVar aggregate classification (germline): Uncertain significance (1 of 4 stars; one submission).

Allele frequency attached by ClinVar (database versions not stated): gnomAD exomes 0.00001; TOPMed 0.00001.
gnomAD v4.1: 21 of 1,597,486 alleles (0.0013%); highest among the groups gnomAD compares: Admixed American, 0.0017%; no homozygotes.

Submission:

CeGaT Center for Human Genetics Tuebingen
Classification: Uncertain significance. Last evaluated: 2023-02-01. Review status: criteria provided, single submitter. Criteria: CeGaT Center For Human Genetics Tuebingen Variant Classification Criteria Version 2. Collection method: clinical testing. Allele origin: germline. Affected: yes. Observed: 1 variant allele.
Comment: AARS1: PM2